The following is an entry in ClinVar:

NM_001024845.3(SLC6A9):c.1244T>C (p.Val415Ala)

Gene: SLC6A9 (solute carrier family 6 member 9; minus strand). Cytogenetic location: 1p34.1.
Variant type: single nucleotide variant.
Coding change: c.1244T>C on transcript NM_001024845.3 (MANE Select); coding-DNA position 1244, T replaced by C.
Protein change: p.Val415Ala; replaces valine 415 with alanine.
Molecular consequence: missense variant. On other transcripts: non-coding transcript variant (1).
Genome position (GRCh38, 1-based): chr1:44,001,255, A>G on the plus strand (T>C on the coding strand, the complement: SLC6A9 is on the minus strand). VCF-style: chr1-44001255-A-G. GRCh37 (hg19) VCF-style: chr1-44466927-A-G.
Other names: c.1256T>C, p.Val419Ala (NM_001261380.2); c.911T>C, p.Val304Ala (NM_001328626.2, NM_001328630.2); c.1181T>C, p.Val394Ala (NM_001328627.1); c.1049T>C, p.Val350Ala (NM_001328628.1); c.1244T>C, p.Val415Ala (NM_001328629.1); c.1301T>C, p.Val434Ala (NM_006934.4); c.1463T>C, p.Val488Ala (NM_201649.4); short protein forms V415A, V350A, V394A, V304A, V488A, V419A, V434A.
Identifiers: ClinVar variation 2139167 (VCV002139167.4), dbSNP rs143899045, ClinGen allele CA817562.

ClinVar aggregate classification (germline): Uncertain significance (1 of 4 stars; one submission).

Conditions:
Atypical glycine encephalopathy. Also called: Glycine encephalopathy with normal serum glycine. Identifiers: Orphanet 289863, MedGen C4310943, MONDO:0015010, OMIM 617301.

Allele frequency attached by ClinVar (database versions not stated): ExAC 0.00001.
gnomAD v4.1: 39 of 1,613,934 alleles (0.0024%); highest among the groups gnomAD compares: Non-Finnish European, 0.0031%; no homozygotes.

Submission:

Labcorp Genetics (formerly Invitae), Labcorp
Classification: Uncertain significance for Atypical glycine encephalopathy. Last evaluated: 2022-03-24. Review status: criteria provided, single submitter. Criteria: Invitae Variant Classification Sherloc (09022015). Collection method: clinical testing. Allele origin: germline.
Comment: In summary, the available evidence is currently insufficient to determine the role of this variant in disease. Therefore, it has been classified as a Variant of Uncertain Significance. Algorithms developed to predict the effect of missense changes on protein structure and function are either unavailable or do not agree on the potential impact of this missense change (SIFT: "Tolerated"; PolyPhen-2: "Possibly Damaging"; Align-GVGD: "Class C0"). This variant has not been reported in the literature in individuals affected with SLC6A9-related conditions. This variant is present in population databases (rs143899045, gnomAD 0.006%). This sequence change replaces valine, which is neutral and non-polar, with alanine, which is neutral and non-polar, at codon 488 of the SLC6A9 protein (p.Val488Ala).